The following is an entry in ClinVar:

NM_000321.3(RB1):c.160G>T (p.Glu54Ter)

Gene: RB1 (RB transcriptional corepressor 1; plus strand). Cytogenetic location: 13q14.2.
Variant type: single nucleotide variant.
Coding change: c.160G>T on transcript NM_000321.3 (MANE Select); coding-DNA position 160, G replaced by T.
Protein change: p.Glu54Ter; replaces glutamic acid 54 with a stop codon.
Molecular consequence: nonsense.
Genome position (GRCh38, 1-based): chr13:48,307,302, G>T. VCF-style: chr13-48307302-G-T. GRCh37 (hg19) VCF-style: chr13-48881438-G-T.
Other names: c.160G>T, p.Glu54Ter (NM_001407165.1, NM_001407166.1, NM_001407167.1); short protein forms E54*.
Identifiers: ClinVar variation 1708146 (VCV001708146.2), dbSNP rs2138033935, ClinGen allele CA388250471.
Genomic context (GRCh38, chr13:48,307,302, plus strand): 5'-AAGTATATGCCAATTATATGATTATTTTCATTTGGTAGGCTTGAGTTTGAAGAAACAGAA[G>T]AACCTGATTTTACTGCATTATGTCAGAAATTAAAGATACCAGATCATGTCAGAGAGAGAG-3'

ClinVar aggregate classification (germline): Pathogenic. Review status: criteria provided, multiple submitters, no conflicts (2 of 4 stars). 2 submissions from 2 submitters: Pathogenic (2). Last evaluated 2024-05-20.

Conditions:
Retinoblastoma (RB1). Also called: RETINOBLASTOMA, SOMATIC. Identifiers: Orphanet 790, MedGen C0035335, MeSH D012175, MONDO:0008380, OMIM 180200, HP:0009919. Disease mechanism: loss of function. Inheritance: Both sporadic and heritable forms are tested..

Submissions (2):

Genetic Diagnostic Laboratory, University of Pennsylvania School of Medicine
Classification: Pathogenic for Retinoblastoma. Last evaluated: 2024-05-20. Review status: criteria provided, single submitter. Criteria: ACMG Guidelines, 2015. Collection method: clinical testing. Allele origin: germline. Affected: yes. Observed: 1 variant allele.
Comment: Case and Pedigree Information: BILATERAL CASES:1, UNILATERAL CASES:0, TOTAL CASES:1, PEDIGREES:1. ACMG Codes Applied:PVS1, PM2

Laboratory of Medical Genetics, National & Kapodistrian University of Athens
Classification: Pathogenic for Retinoblastoma. Last evaluated: 2022-02-10. Review status: criteria provided, single submitter. Criteria: ACMG Guidelines, 2015. Collection method: clinical testing. Allele origin: germline. Affected: yes.
Comment: PVS1, PM2, PP5